The following is an entry in ClinVar:

ClinVar aggregate classification (germline): Uncertain significance (1 of 4 stars; one submission).

Submission:

Labcorp Genetics (formerly Invitae), Labcorp
Classification: Uncertain significance. Last evaluated: 2024-07-17. Review status: criteria provided, single submitter. Criteria: Invitae Variant Classification Sherloc (09022015). Collection method: clinical testing. Allele origin: germline.
Comment: This sequence change replaces glutamine, which is neutral and polar, with arginine, which is basic and polar, at codon 146 of the TNFRSF6B protein (p.Gln146Arg). This variant is not present in population databases (gnomAD no frequency). This variant has not been reported in the literature in individuals affected with TNFRSF6B-related conditions. ClinVar contains an entry for this variant (Variation ID: 1449042). An algorithm developed to predict the effect of missense changes on protein structure and function outputs the following: PolyPhen-2: "Benign". The arginine amino acid residue is found in multiple mammalian species, which suggests that this missense change does not adversely affect protein function. In summary, the available evidence is currently insufficient to determine the role of this variant in disease. Therefore, it has been classified as a Variant of Uncertain Significance.

NM_003823.4(TNFRSF6B):c.437A>G (p.Gln146Arg)

Genes: RTEL1-TNFRSF6B (RTEL1-TNFRSF6B readthrough (NMD candidate); plus strand), TNFRSF6B (TNF receptor superfamily member 6b; plus strand). Cytogenetic location: 20q13.33.
Variant type: single nucleotide variant.
Coding change: c.437A>G on transcript NM_003823.4 (MANE Select); coding-DNA position 437, A replaced by G.
Protein change: p.Gln146Arg; replaces glutamine 146 with arginine.
Molecular consequence: missense variant. On other transcripts: non-coding transcript variant (1).
Genome position (GRCh38, 1-based): chr20:63,697,340, A>G. VCF-style: chr20-63697340-A-G. GRCh37 (hg19) VCF-style: chr20-62328693-A-G.
Other names: short protein forms Q146R.
Identifiers: ClinVar variation 1449042 (VCV001449042.8), dbSNP rs2145488733, ClinGen allele CA409711448.